The following is an entry in ClinVar:

ClinVar aggregate classification (germline): Uncertain significance (1 of 4 stars; one submission).

Submission:

Ambry Genetics
Classification: Uncertain significance. Last evaluated: 2021-11-04. Review status: criteria provided, single submitter. Criteria: Ambry Variant Classification Scheme 2023. Collection method: clinical testing. Allele origin: germline.
Comment: The p.L189S variant (also known as c.566T>C), located in coding exon 1 of the MLH3 gene, results from a T to C substitution at nucleotide position 566. The leucine at codon 189 is replaced by serine, an amino acid with dissimilar properties. This amino acid position is highly conserved in available vertebrate species. In addition, this alteration is predicted to be deleterious by in silico analysis. Since supporting evidence is limited at this time, the clinical significance of this alteration remains unclear.

NM_001040108.2(MLH3):c.566T>C (p.Leu189Ser)

Gene: MLH3 (mutL homolog 3; minus strand). Cytogenetic location: 14q24.3.
Variant type: single nucleotide variant.
Coding change: c.566T>C on transcript NM_001040108.2 (MANE Select); coding-DNA position 566, T replaced by C.
Protein change: p.Leu189Ser; replaces leucine 189 with serine.
Molecular consequence: missense variant.
Genome position (GRCh38, 1-based): chr14:75,049,090, A>G on the plus strand (T>C on the coding strand, the complement: MLH3 is on the minus strand). VCF-style: chr14-75049090-A-G. GRCh37 (hg19) VCF-style: chr14-75515793-A-G.
Other names: c.566T>C, p.Leu189Ser (NM_014381.3); short protein forms L189S.
Identifiers: ClinVar variation 1748962 (VCV001748962.2), dbSNP rs2503323756, ClinGen allele CA390449879.